The following is an entry in ClinVar:

ClinVar aggregate classification (germline): Uncertain significance (1 of 4 stars; one submission).

Conditions:
Cranium bifidum occultum. Also called: Enlarged Parietal Foramina; CATLIN MARKS; CRANIUM BIFIDUM, HEREDITARY. Identifiers: MedGen C1868598, HP:0004423.

Allele frequency attached by ClinVar (database versions not stated): TOPMed below 0.00001; gnomAD exomes 0.00001; ExAC 0.00002; ESP Exome Variant Server 0.00008.
gnomAD v4.1: 11 of 1,613,980 alleles (0.00068%); highest among the groups gnomAD compares: African/African-American, 0.0013%; no homozygotes.

Submission:

Labcorp Genetics (formerly Invitae), Labcorp
Classification: Uncertain significance for Cranium bifidum occultum. Last evaluated: 2024-03-02. Review status: criteria provided, single submitter. Criteria: Invitae Variant Classification Sherloc (09022015). Collection method: clinical testing. Allele origin: germline.
Comment: This sequence change replaces phenylalanine, which is neutral and non-polar, with leucine, which is neutral and non-polar, at codon 242 of the MSX2 protein (p.Phe242Leu). This variant is present in population databases (rs371825159, gnomAD 0.007%). This variant has not been reported in the literature in individuals affected with MSX2-related conditions. An algorithm developed to predict the effect of missense changes on protein structure and function (PolyPhen-2) suggests that this variant is likely to be tolerated. In summary, the available evidence is currently insufficient to determine the role of this variant in disease. Therefore, it has been classified as a Variant of Uncertain Significance.

NM_002449.5(MSX2):c.726C>A (p.Phe242Leu)

Gene: MSX2 (msh homeobox 2; plus strand). Cytogenetic location: 5q35.2.
Variant type: single nucleotide variant.
Coding change: c.726C>A on transcript NM_002449.5 (MANE Select); coding-DNA position 726, C replaced by A.
Protein change: p.Phe242Leu; replaces phenylalanine 242 with leucine.
Molecular consequence: missense variant. On other transcripts: 3 prime UTR variant (1).
Genome position (GRCh38, 1-based): chr5:174,729,505, C>A. VCF-style: chr5-174729505-C-A. GRCh37 (hg19) VCF-style: chr5-174156508-C-A.
Other names: c.*350C>A (NM_001363626.2); short protein forms F242L.
Identifiers: ClinVar variation 2913549 (VCV002913549.3), dbSNP rs371825159, ClinGen allele CA3565253.